The following is an entry in ClinVar:

ClinVar aggregate classification (germline): Pathogenic. Review status: criteria provided, multiple submitters, no conflicts (2 of 4 stars). 3 submissions from 3 submitters: Pathogenic (3). Last evaluated 2026-05-08.

Conditions:
Familial cancer of breast. Also called: hereditary breast carcinoma; BREAST CANCER, FAMILIAL; Hereditary breast cancer. Identifiers: Orphanet 227535, MedGen C0346153, MONDO:0016419, OMIM 114480. Disease mechanism: loss of function.
Hereditary cancer-predisposing syndrome. Also called: Neoplastic Syndromes, Hereditary; Hereditary Cancer Syndrome; Tumor predisposition; Hereditary neoplastic syndrome. Identifiers: Orphanet 140162, MedGen C0027672, MeSH D009386, MONDO:0015356.

Submissions (3):

Ambry Genetics
Classification: Pathogenic for Hereditary cancer-predisposing syndrome. Last evaluated: 2026-05-08. Review status: criteria provided, single submitter. Criteria: Ambry Variant Classification Scheme 2023. Collection method: clinical testing. Allele origin: germline.
Comment: The p.E954* pathogenic mutation (also known as c.2860G>T), located in coding exon 9 of the PALB2 gene, results from a G to T substitution at nucleotide position 2860. This changes the amino acid from a glutamic acid to a stop codon within coding exon 9. This variant is considered to be rare based on population cohorts in the Genome Aggregation Database (gnomAD). This alteration is expected to result in loss of function by premature protein truncation or nonsense-mediated mRNA decay. As such, this alteration is interpreted as a disease-causing mutation.

GeneDx
Classification: Pathogenic. Last evaluated: 2022-06-14. Review status: criteria provided, single submitter. Criteria: GeneDx Variant Classification Process June 2021. Collection method: clinical testing. Allele origin: germline. Affected: yes.
Comment: Nonsense variant predicted to result in protein truncation or nonsense mediated decay in a gene for which loss of function is a known mechanism of disease; Not observed at significant frequency in large population cohorts (gnomAD); Has not been previously published as pathogenic or benign to our knowledge

Labcorp Genetics (formerly Invitae), Labcorp
Classification: Pathogenic for Familial cancer of breast. Last evaluated: 2021-10-06. Review status: criteria provided, single submitter. Criteria: Invitae Variant Classification Sherloc (09022015). Collection method: clinical testing. Allele origin: germline.
Comment: For these reasons, this variant has been classified as Pathogenic. ClinVar contains an entry for this variant (Variation ID: 245957). This variant has not been reported in the literature in individuals affected with PALB2-related conditions. This variant is not present in population databases (ExAC no frequency). This sequence change creates a premature translational stop signal (p.Glu954*) in the PALB2 gene. It is expected to result in an absent or disrupted protein product. Loss-of-function variants in PALB2 are known to be pathogenic (PMID: 17200668, 17200671, 17200672, 24136930, 25099575).

Literature cited by the submitters: PubMed 17200668 (cited by Labcorp Genetics (formerly Invitae), Labcorp); PubMed 17200671 (cited by Labcorp Genetics (formerly Invitae), Labcorp); PubMed 17200672 (cited by Labcorp Genetics (formerly Invitae), Labcorp); PubMed 24136930 (cited by Labcorp Genetics (formerly Invitae), Labcorp); PubMed 25099575 (cited by Labcorp Genetics (formerly Invitae), Labcorp).

NM_024675.4(PALB2):c.2860G>T (p.Glu954Ter)

Gene: PALB2 (partner and localizer of BRCA2; minus strand). Cytogenetic location: 16p12.2.
Variant type: single nucleotide variant.
Coding change: c.2860G>T on transcript NM_024675.4 (MANE Select); coding-DNA position 2860, G replaced by T.
Protein change: p.Glu954Ter; replaces glutamic acid 954 with a stop codon.
Molecular consequence: nonsense.
Genome position (GRCh38, 1-based): chr16:23,623,105, C>A on the plus strand (G>T on the coding strand, the complement: PALB2 is on the minus strand). VCF-style: chr16-23623105-C-A. GRCh37 (hg19) VCF-style: chr16-23634426-C-A.
Other names: short protein forms E954*.
Identifiers: ClinVar variation 245957 (VCV000245957.10), dbSNP rs879254015, ClinGen allele CA10584509.